The following is an entry in ClinVar:

ClinVar aggregate classification (germline): Pathogenic/Likely pathogenic. Review status: criteria provided, multiple submitters, no conflicts (2 of 4 stars). 3 submissions from 3 submitters: Pathogenic (1); Likely pathogenic (2). Last evaluated 2024-05-01.

Conditions:
Hereditary cancer-predisposing syndrome. Also called: Tumor predisposition; Hereditary neoplastic syndrome; Hereditary Cancer Syndrome; Neoplastic Syndromes, Hereditary. Identifiers: Orphanet 140162, MedGen C0027672, MeSH D009386, MONDO:0015356.
BAP1-related tumor predisposition syndrome (TPDS1). Also called: Tumor susceptibility linked to germline BAP1 mutations; BAP1 tumor predisposition syndrome; COMMON Syndrome; TUMOR PREDISPOSITION SYNDROME 1. Identifiers: Orphanet 289539, MedGen C3280492, MONDO:0013692, OMIM 614327.

Submissions (3):

Myriad Genetics, Inc.
Classification: Likely pathogenic for BAP1-related tumor predisposition syndrome. Last evaluated: 2024-05-01. Review status: criteria provided, single submitter. Criteria: Myriad Autosomal Dominant, Autosomal Recessive and X-Linked Classification Criteria (2023). Collection method: clinical testing. Allele origin: unknown.
Comment: This variant is considered likely pathogenic. This variant occurs within a consensus splice junction and is predicted to result in abnormal mRNA splicing of either an out-of-frame exon or an in-frame exon necessary for protein stability and/or normal function.

Ambry Genetics
Classification: Likely pathogenic for Hereditary cancer-predisposing syndrome. Last evaluated: 2024-02-05. Review status: criteria provided, single submitter. Criteria: Ambry Variant Classification Scheme 2023. Collection method: clinical testing. Allele origin: germline.
Comment: The c.581-1G>T intronic variant results from a G to T substitution one nucleotide upstream from coding exon 8 of the BAP1 gene. This variant has been observed in at least one individual with a personal and/or family history that is consistent with BAP1-related tumor predisposition syndrome (Ambry internal data). This variant is considered to be rare based on population cohorts in the Genome Aggregation Database (gnomAD). This nucleotide position is highly conserved in available vertebrate species. In silico splice site analysis predicts that this alteration will weaken the native splice acceptor site and will result in the creation or strengthening of a novel splice acceptor site. Alterations that disrupt the canonical splice site are expected to cause aberrant splicing, resulting in an abnormal protein or a transcript that is subject to nonsense-mediated mRNA decay. As such, this alteration is classified as likely pathogenic.

Labcorp Genetics (formerly Invitae), Labcorp
Classification: Pathogenic for BAP1-related tumor predisposition syndrome. Last evaluated: 2022-11-15. Review status: criteria provided, single submitter. Criteria: Invitae Variant Classification Sherloc (09022015). Collection method: clinical testing. Allele origin: germline.
Comment: Studies have shown that disruption of this splice site results in skipping of exon 8 and introduces a premature termination codon (PMID: 23977234). The resulting mRNA is expected to undergo nonsense-mediated decay. ClinVar contains an entry for this variant (Variation ID: 577633). Disruption of this splice site has been observed in individual(s) with BAP1 tumor predisposition syndrome (PMID: 23977234). It has also been observed to segregate with disease in related individuals. For these reasons, this variant has been classified as Pathogenic. This variant is not present in population databases (gnomAD no frequency). This sequence change affects an acceptor splice site in intron 7 of the BAP1 gene. RNA analysis indicates that disruption of this splice site induces altered splicing and may result in an absent or disrupted protein product.

Literature cited by the submitters: PubMed 23977234 (cited by Labcorp Genetics (formerly Invitae), Labcorp).

NM_004656.4(BAP1):c.581-1G>T

Gene: BAP1 (BRCA1 associated deubiquitinase 1; minus strand). Cytogenetic location: 3p21.1.
Variant type: single nucleotide variant.
Coding change: c.581-1G>T on transcript NM_004656.4 (MANE Select); the canonical splice acceptor site of the intron before coding-DNA position 581, G replaced by T.
Molecular consequence: splice acceptor variant.
Genome position (GRCh38, 1-based): chr3:52,406,908, C>A on the plus strand (G>T on the coding strand, the complement: BAP1 is on the minus strand). VCF-style: chr3-52406908-C-A. GRCh37 (hg19) VCF-style: chr3-52440924-C-A.
Other names: c.581-1G>T (NM_001410772.1).
Identifiers: ClinVar variation 577633 (VCV000577633.12), dbSNP rs1553645729, ClinGen allele CA353109249.